The following is an entry in ClinVar:

NM_000512.4(GALNS):c.413T>C (p.Val138Ala)

Gene: GALNS (galactosamine (N-acetyl)-6-sulfatase; minus strand). Cytogenetic location: 16q24.3.
Variant type: single nucleotide variant.
Coding change: c.413T>C on transcript NM_000512.4; coding-DNA position 413, T replaced by C.
Protein change: p.Val138Ala; replaces valine 138 with alanine.
Molecular consequence: missense variant (on NM_000512.5). On other transcripts: 5 prime UTR variant (1).
Genome position (GRCh38, 1-based): chr16:88,841,001, A>G on the plus strand (T>C on the coding strand, the complement: GALNS is on the minus strand). VCF-style: chr16-88841001-A-G. GRCh37 (hg19) VCF-style: chr16-88907409-A-G.
Other names: A138V; c.413T>C, p.Val138Ala (NM_000512.5); c.-143T>C (NM_001323543.2); c.431T>C, p.Val144Ala (NM_001323544.2); short protein forms V138A, V144A.
Identifiers: ClinVar variation 699 (VCV000000699.6), dbSNP rs118204436, ClinGen allele CA251564.

ClinVar aggregate classification (germline): Uncertain significance. Review status: criteria provided, single submitter (1 of 4 stars). 2 submissions from 2 submitters: Uncertain significance (1). 1 of the submissions does not count toward it. Last evaluated 2021-02-01.

Conditions:
Mucopolysaccharidosis, MPS-IV-A (MPS4A). Also called: GALACTOSAMINE-6-SULFATASE DEFICIENCY; GALNS DEFICIENCY; MPS IVA; Mucopolysaccharidosis type IV A; Morquio syndrome A, mild; MORQUIO A DISEASE. Identifiers: Orphanet 309297, Orphanet 582, MedGen C0086651, MONDO:0009659, OMIM 253000.

Submissions (2):

Laboratory of Diagnosis and Therapy of Lysosomal Disorders, University of Padova
Classification: Uncertain significance for Mucopolysaccharidosis, MPS-IV-A. Last evaluated: 2021-02-01. Review status: criteria provided, single submitter. Criteria: ACMG Guidelines, 2015. Collection method: curation. Allele origin: germline. Affected: yes.
Comment: In vitro functional studies supportive of a damaging effect on the gene product (low in vitro enzymatic activity; PS3_supporting); absent from gnomAD v2.1.1 (PM2_moderate); multiple lines of computational evidence support a deleterious effect on the gene (PP3_supporting)

OMIM
Classification: Pathogenic for MUCOPOLYSACCHARIDOSIS, TYPE IVA. Last evaluated: 2018-05-30. Review status: no assertion criteria provided. Collection method: literature only. Allele origin: germline. Not counted in ClinVar's aggregate classification.

Literature cited by the submitters: PubMed 7795586 (cited by Laboratory of Diagnosis and Therapy of Lysosomal Disorders, University of Padova); PubMed 34387910 (cited by Laboratory of Diagnosis and Therapy of Lysosomal Disorders, University of Padova); Tomatsu, S., Fukuda, S., Masue, M., Sukegawa, K., Masuno, M., Orii, T. Mucopolysaccharidosis type IVA: characterization and chromosomal localization of N-acetylgalactosamine-6-sulfate sulfatase gene and genetic heterogeneity. (Abstract) Am. J. Hum. Genet. 51 (suppl.): A178, 1992. (cited by OMIM).